The following is an entry in ClinVar:

ClinVar aggregate classification (germline): Uncertain significance (1 of 4 stars; one submission).

gnomAD v4.1: 10 of 1,210,304 alleles (0.00083%); highest among the groups gnomAD compares: East Asian, 0.003%; no homozygotes.

Submission:

Labcorp Genetics (formerly Invitae), Labcorp
Classification: Uncertain significance. Last evaluated: 2025-10-23. Review status: criteria provided, single submitter. Criteria: Invitae Variant Classification Sherloc (09022015). Collection method: clinical testing. Allele origin: germline.
Comment: This sequence change replaces aspartic acid, which is acidic and polar, with asparagine, which is neutral and polar, at codon 168 of the BGN protein (p.Asp168Asn). The frequency data for this variant in the population databases is considered unreliable, as metrics indicate poor data quality at this position in the gnomAD database. This variant has not been reported in the literature in individuals affected with BGN-related conditions. ClinVar contains an entry for this variant (Variation ID: 3692558). Invitae Evidence Modeling of protein sequence and biophysical properties (such as structural, functional, and spatial information, amino acid conservation, physicochemical variation, residue mobility, and thermodynamic stability) indicates that this missense variant is not expected to disrupt BGN protein function with a negative predictive value of 80%. In summary, the available evidence is currently insufficient to determine the role of this variant in disease. Therefore, it has been classified as a Variant of Uncertain Significance.

NM_001711.6(BGN):c.502G>A (p.Asp168Asn)

Gene: BGN (biglycan; plus strand). Cytogenetic location: Xq28.
Variant type: single nucleotide variant.
Coding change: c.502G>A on transcript NM_001711.6 (MANE Select); coding-DNA position 502, G replaced by A.
Protein change: p.Asp168Asn; replaces aspartic acid 168 with asparagine.
Molecular consequence: missense variant.
Genome position (GRCh38, 1-based): chrX:153,506,013, G>A. VCF-style: chrX-153506013-G-A. GRCh37 (hg19) VCF-style: chrX-152771471-G-A.
Other names: short protein forms D168N.
Identifiers: ClinVar variation 3692558 (VCV003692558.2).
Genomic context (GRCh38, chrX:153,506,013, plus strand): 5'-AACCACCTGGTGGAGATCCCGCCCAACCTACCCAGCTCCCTGGTGGAGCTCCGCATCCAC[G>A]ACAACCGCATCCGCAAGGTGCCCAAGGGAGTGTTCAGCGGGCTCCGGAACATGAACTGCA-3'
Protein context (NP_001702.1, residues 158-178): PSSLVELRIH[Asp168Asn]NRIRKVPKGV